The following is an entry in ClinVar:

NM_014516.4(CNOT3):c.1406C>G (p.Ser469Trp)

Gene: CNOT3 (CCR4-NOT transcription complex subunit 3; plus strand). Cytogenetic location: 19q13.42.
Variant type: single nucleotide variant.
Coding change: c.1406C>G on transcript NM_014516.4 (MANE Select); coding-DNA position 1406, C replaced by G.
Protein change: p.Ser469Trp; replaces serine 469 with tryptophan.
Molecular consequence: missense variant.
Genome position (GRCh38, 1-based): chr19:54,148,743, C>G. VCF-style: chr19-54148743-C-G. GRCh37 (hg19) VCF-style: chr19-54652478-C-G.
Other names: short protein forms S469W.
Identifiers: ClinVar variation 3350158 (VCV003350158.1).

ClinVar aggregate classification (germline): Uncertain significance (0 of 4 stars; one submission).

Conditions:
CNOT3-related disorder. Also called: CNOT3-related condition.

Submission:

PreventionGenetics, part of Exact Sciences
Classification: Uncertain significance for CNOT3-related condition. Last evaluated: 2024-03-18. Review status: no assertion criteria provided. Collection method: clinical testing. Allele origin: germline.
Comment: The CNOT3 c.1406C>G variant is predicted to result in the amino acid substitution p.Ser469Trp. To our knowledge, this variant has not been reported in the literature or in a large population database, indicating this variant is rare. At this time, the clinical significance of this variant is uncertain due to the absence of conclusive functional and genetic evidence.